The following is an entry in ClinVar:

NM_000092.5(COL4A4):c.2208G>C (p.Lys736Asn)

Gene: COL4A4 (collagen type IV alpha 4 chain; minus strand). Cytogenetic location: 2q36.3.
Variant type: single nucleotide variant.
Coding change: c.2208G>C on transcript NM_000092.5 (MANE Select); coding-DNA position 2208, G replaced by C.
Protein change: p.Lys736Asn; replaces lysine 736 with asparagine.
Molecular consequence: missense variant.
Genome position (GRCh38, 1-based): chr2:227,059,580, C>G on the plus strand (G>C on the coding strand, the complement: COL4A4 is on the minus strand). VCF-style: chr2-227059580-C-G. GRCh37 (hg19) VCF-style: chr2-227924296-C-G.
Other names: short protein forms K736N.
Identifiers: ClinVar variation 1305184 (VCV001305184.2), dbSNP rs1976364730, ClinGen allele CA350842152.
Genomic context (GRCh38, chr2:227,059,580, plus strand): 5'-TTTCTGACCATTCACTCCTGGTGAGCCGGGAGGGCCTGGGGGCCCAACAGGGGAGGACCC[C>G]TTTTCACCTCCAAAACCCGGATCTCCCATGTCACCACGAAAACCTATTTAACAACAAAAA-3'
Protein context (NP_000083.3, residues 726-746): DMGDPGFGGE[Lys736Asn]GSSPVGPPGP

ClinVar aggregate classification (germline): Uncertain significance (1 of 4 stars; one submission).

gnomAD v4.1: 1 of 1,614,152 alleles (0.000062%); no homozygotes.

Submission:

GeneDx
Classification: Uncertain significance. Last evaluated: 2019-04-17. Review status: criteria provided, single submitter. Criteria: GeneDx Variant Classification Process June 2021. Collection method: clinical testing. Allele origin: germline. Affected: yes.
Comment: Not observed in large population cohorts (Lek et al., 2016); In silico analysis, which includes protein predictors and evolutionary conservation, supports that this variant does not alter protein structure/function; Has not been previously published as pathogenic or benign to our knowledge